The following is an entry in ClinVar:

NM_002335.4(LRP5):c.3082G>A (p.Asp1028Asn)

Gene: LRP5 (LDL receptor related protein 5; plus strand). Cytogenetic location: 11q13.2.
Variant type: single nucleotide variant.
Coding change: c.3082G>A on transcript NM_002335.4 (MANE Select); coding-DNA position 3082, G replaced by A.
Protein change: p.Asp1028Asn; replaces aspartic acid 1028 with asparagine.
Molecular consequence: missense variant.
Genome position (GRCh38, 1-based): chr11:68,423,543, G>A. VCF-style: chr11-68423543-G-A. GRCh37 (hg19) VCF-style: chr11-68191011-G-A.
Other names: c.1339G>A, p.Asp447Asn (NM_001291902.2); c.3082G>A (NM_002335.2); short protein forms D1028N, D447N.
Identifiers: ClinVar variation 2430353 (VCV002430353.4), dbSNP rs1209062729, ClinGen allele CA381620672.
Genomic context (GRCh38, chr11:68,423,543, plus strand): 5'-TTACAGCCCTTTGTTTTGACCTCTCTGAGCCAAGGCCAAAACCCAGACAGGCAGCCCCAC[G>A]ACCTCAGCATCGACATCTACAGCCGGACACTGTTCTGGACGTGCGAGGCCACCAATACCA-3'
Protein context (NP_002326.2, residues 1018-1038): QGQNPDRQPH[Asp1028Asn]LSIDIYSRTL

ClinVar aggregate classification (germline): Uncertain significance. Review status: criteria provided, multiple submitters, no conflicts (2 of 4 stars). 3 submissions from 3 submitters: Uncertain significance (3). Last evaluated 2026-02-22.

Allele frequency attached by ClinVar (database versions not stated): gnomAD exomes below 0.00001.
gnomAD v4.1: 2 of 1,614,186 alleles (0.00012%); highest among the groups gnomAD compares: Non-Finnish European, 0.00017%; no homozygotes.

Submissions (3):

GeneDx
Classification: Uncertain significance. Last evaluated: 2026-02-22. Review status: criteria provided, single submitter. Criteria: GeneDx Variant Classification Process June 2021. Collection method: clinical testing. Allele origin: germline.
Comment: Not observed at significant frequency in large population cohorts (gnomAD); In silico analysis supports that this missense variant has a deleterious effect on protein structure/function; Has not been previously published as pathogenic or benign to our knowledge

Blueprint Genetics
Classification: Uncertain significance. Last evaluated: 2024-01-19. Review status: criteria provided, single submitter. Criteria: ACMG Guidelines, 2015. Collection method: clinical testing. Allele origin: germline.

Centre of Medical Genetics, University Hospital Muenster
Classification: Uncertain significance. Last evaluated: 2022-11-10. Review status: criteria provided, single submitter. Criteria: ACMG Guidelines, 2015. Collection method: clinical testing. Allele origin: unknown. Affected: yes. Observed: 1 variant allele, 1 heterozygote.
Comment: ACMG categories: PM2,PP3